The following is an entry in ClinVar:

NM_000170.3(GLDC):c.1100C>A (p.Thr367Asn)

Gene: GLDC (glycine decarboxylase; minus strand). Cytogenetic location: 9p24.1.
Variant type: single nucleotide variant.
Coding change: c.1100C>A on transcript NM_000170.3 (MANE Select); coding-DNA position 1100, C replaced by A.
Protein change: p.Thr367Asn; replaces threonine 367 with asparagine.
Molecular consequence: missense variant.
Genome position (GRCh38, 1-based): chr9:6,602,164, G>T on the plus strand (C>A on the coding strand, the complement: GLDC is on the minus strand). VCF-style: chr9-6602164-G-T. GRCh37 (hg19) VCF-style: chr9-6602164-G-T.
Other names: short protein forms T367N.
Identifiers: ClinVar variation 957954 (VCV000957954.10), dbSNP rs1183976692, ClinGen allele CA372894602.
Genomic context (GRCh38, chr9:6,602,164, plus strand): 5'-TTTACCTGAGCTGTACAGATGTTGCTGGTAGCCTTGTCTCTCCGAATGTGTTGCTCCCTG[G>T]TTTGAAGAGCAAGACGATACACTTCTTTCCCAGTGGCATCTCTACACCAAGAATAAGGCA-3'
Protein context (NP_000161.2, residues 357-377): GKEVYRLALQ[Thr367Asn]REQHIRRDKA

ClinVar aggregate classification (germline): Uncertain significance (1 of 4 stars; one submission).

Conditions:
Glycine encephalopathy. Also called: Nonketotic hyperglycinemia; Non-ketotic hyperglycinemia. Identifiers: Orphanet 407, MedGen C0751748, MONDO:0011612, HP:0008288.

Submission:

Labcorp Genetics (formerly Invitae), Labcorp
Classification: Uncertain significance for Glycine encephalopathy. Last evaluated: 2024-10-31. Review status: criteria provided, single submitter. Criteria: Invitae Variant Classification Sherloc (09022015). Collection method: clinical testing. Allele origin: germline.
Comment: This sequence change replaces threonine, which is neutral and polar, with asparagine, which is neutral and polar, at codon 367 of the GLDC protein (p.Thr367Asn). This variant is not present in population databases (gnomAD no frequency). This variant has not been reported in the literature in individuals affected with GLDC-related conditions. ClinVar contains an entry for this variant (Variation ID: 957954). Invitae Evidence Modeling of protein sequence and biophysical properties (such as structural, functional, and spatial information, amino acid conservation, physicochemical variation, residue mobility, and thermodynamic stability) indicates that this missense variant is expected to disrupt GLDC protein function with a positive predictive value of 95%. In summary, the available evidence is currently insufficient to determine the role of this variant in disease. Therefore, it has been classified as a Variant of Uncertain Significance.